The following is an entry in ClinVar:

ClinVar aggregate classification (germline): Uncertain significance. Review status: criteria provided, single submitter (1 of 4 stars). 2 submissions from 2 submitters: Uncertain significance (1). 1 of the submissions does not count toward it. Last evaluated 2021-08-24.

Conditions:
Autosomal recessive polycystic kidney disease (ARPKD). Also called: AR polycystic kidney disease. Identifiers: Orphanet 731, Orphanet 8378, MedGen C0085548, MeSH D017044, MONDO:0009889.

Allele frequency attached by ClinVar (database versions not stated): gnomAD exomes below 0.00001.
gnomAD v4.1: 1 of 1,614,106 alleles (0.000062%); highest among the groups gnomAD compares: Admixed American, 0.0017%; no homozygotes.

Submissions (2):

Labcorp Genetics (formerly Invitae), Labcorp
Classification: Uncertain significance for Autosomal recessive polycystic kidney disease. Last evaluated: 2021-08-24. Review status: criteria provided, single submitter. Criteria: Invitae Variant Classification Sherloc (09022015). Collection method: clinical testing. Allele origin: germline.
Comment: This sequence change replaces aspartic acid with asparagine at codon 1138 of the PKHD1 protein (p.Asp1138Asn). The aspartic acid residue is moderately conserved and there is a small physicochemical difference between aspartic acid and asparagine. This variant is not present in population databases (ExAC no frequency). This variant has not been reported in the literature in individuals affected with PKHD1-related conditions. Advanced modeling of protein sequence and biophysical properties (such as structural, functional, and spatial information, amino acid conservation, physicochemical variation, residue mobility, and thermodynamic stability) performed at Invitae indicates that this missense variant is not expected to disrupt PKHD1 protein function. In summary, the available evidence is currently insufficient to determine the role of this variant in disease. Therefore, it has been classified as a Variant of Uncertain Significance.

Natera, Inc.
Classification: Uncertain significance for Autosomal recessive polycystic kidney disease. Last evaluated: 2020-07-20. Review status: no assertion criteria provided. Collection method: clinical testing. Allele origin: germline. Not counted in ClinVar's aggregate classification.

NM_138694.4(PKHD1):c.3412G>A (p.Asp1138Asn)

Gene: PKHD1 (PKHD1 ciliary IPT domain containing fibrocystin/polyductin; minus strand). Cytogenetic location: 6p12.2.
Variant type: single nucleotide variant.
Coding change: c.3412G>A on transcript NM_138694.4 (MANE Select); coding-DNA position 3412, G replaced by A.
Protein change: p.Asp1138Asn; replaces aspartic acid 1138 with asparagine.
Molecular consequence: missense variant.
Genome position (GRCh38, 1-based): chr6:52,028,304, C>T on the plus strand (G>A on the coding strand, the complement: PKHD1 is on the minus strand). VCF-style: chr6-52028304-C-T. GRCh37 (hg19) VCF-style: chr6-51893102-C-T.
Other names: c.3412G>A, p.Asp1138Asn (NM_170724.3); short protein forms D1138N.
Identifiers: ClinVar variation 1044053 (VCV001044053.7), dbSNP rs1192156901, ClinGen allele CA364440779.